The following is an entry in ClinVar:

ClinVar aggregate classification (germline): Conflicting classifications of pathogenicity. Review status: criteria provided, conflicting classifications (1 of 4 stars). 2 submissions from 2 submitters: Uncertain significance (1); Likely benign (1). Last evaluated 2022-11-22.

Conditions:
Heterotopia, periventricular, X-linked dominant (PVNH1). Also called: PERIVENTRICULAR NODULAR HETEROTOPIA 4; HETEROTOPIA, PERIVENTRICULAR, 1; PERIVENTRICULAR NODULAR HETEROTOPIA 1; X-linked periventricular heterotopia. Identifiers: Orphanet 2149, Orphanet 82004, MedGen C1848213, MONDO:0010233, OMIM 300049.
Oto-palato-digital syndrome, type II (OPD2). Also called: Otopalatodigital Syndrome, Type II; Otopalatodigital Syndrome Type 2 (FLNA-OPD2); FACIOPALATOOSSEOUS SYNDROME; OPD II SYNDROME. Identifiers: Orphanet 669, Orphanet 90652, MedGen C1844696, MONDO:0010571, OMIM 304120.
Frontometaphyseal dysplasia (FMD1). Identifiers: Orphanet 1826, MedGen C0265293, MONDO:0015942.
Melnick-Needles syndrome (MNS). Also called: Melnick-Needles Syndrome (FLNA-MNS); MELNICK-NEEDLES OSTEODYSPLASTY; OSTEODYSPLASTY OF MELNICK AND NEEDLES. Identifiers: Orphanet 2484, MedGen C0025237, MONDO:0010650, OMIM 309350.

Allele frequency attached by ClinVar (database versions not stated): TOPMed below 0.00001; gnomAD exomes 0.00001 and 0.00002; ExAC 0.00002.
gnomAD v4.1: 9 of 1,211,909 alleles (0.00074%); highest among the groups gnomAD compares: East Asian, 0.0059%; no homozygotes.

Submissions (2):

Labcorp Genetics (formerly Invitae), Labcorp
Classification: Likely benign for Oto-palato-digital syndrome, type II; Heterotopia, periventricular, X-linked dominant; Frontometaphyseal dysplasia; Melnick-Needles syndrome. Last evaluated: 2022-11-22. Review status: criteria provided, single submitter. Criteria: Invitae Variant Classification Sherloc (09022015). Collection method: clinical testing. Allele origin: germline.

GeneDx
Classification: Uncertain significance. Last evaluated: 2017-03-10. Review status: criteria provided, single submitter. Criteria: GeneDx Variant Classification (06012015). Collection method: clinical testing. Allele origin: germline. Affected: yes.
Comment: The T408M variant in the FLNA gene has not been reported previously as a pathogenic variant, nor as a benign variant, to our knowledge. The T408M variant is not observed in large population cohorts (Lek et al., 2016; 1000 Genomes Consortium et al., 2015; Exome Variant Server). The T408M variant is a non-conservative amino acid substitution, which is likely to impact secondary protein structure as these residues differ in polarity, charge, size and/or other properties. This substitution occurs at a position that is conserved across species, and in silico analysis predicts this variant is probably damaging to the protein structure/function. We interpret T408M as a variant of uncertain significance.

NM_001110556.2(FLNA):c.1223C>T (p.Thr408Met)

Gene: FLNA (filamin A; minus strand). Cytogenetic location: Xq28.
Variant type: single nucleotide variant.
Coding change: c.1223C>T on transcript NM_001110556.2 (MANE Select); coding-DNA position 1223, C replaced by T.
Protein change: p.Thr408Met; replaces threonine 408 with methionine.
Molecular consequence: missense variant.
Genome position (GRCh38, 1-based): chrX:154,366,313, G>A on the plus strand (C>T on the coding strand, the complement: FLNA is on the minus strand). VCF-style: chrX-154366313-G-A. GRCh37 (hg19) VCF-style: chrX-153594681-G-A.
Other names: c.1223C>T, p.Thr408Met (NM_001456.4); short protein forms T408M.
Identifiers: ClinVar variation 423675 (VCV000423675.11), dbSNP rs781827791, ClinGen allele CA10561236.